The following is an entry in ClinVar:

NM_002227.4(JAK1):c.458G>C (p.Ser153Thr)

Gene: JAK1 (Janus kinase 1; minus strand). Cytogenetic location: 1p31.3.
Variant type: single nucleotide variant.
Coding change: c.458G>C on transcript NM_002227.4 (MANE Select); coding-DNA position 458, G replaced by C.
Protein change: p.Ser153Thr; replaces serine 153 with threonine.
Molecular consequence: missense variant.
Genome position (GRCh38, 1-based): chr1:64,873,395, C>G on the plus strand (G>C on the coding strand, the complement: JAK1 is on the minus strand). VCF-style: chr1-64873395-C-G. GRCh37 (hg19) VCF-style: chr1-65339078-C-G.
Other names: c.458G>C, p.Ser153Thr (NM_001320923.2, NM_001321852.2, NM_001321853.2 and 4 more transcripts); short protein forms S153T.
Identifiers: ClinVar variation 2804615 (VCV002804615.3), dbSNP rs763543398, ClinGen allele CA893156.

ClinVar aggregate classification (germline): Uncertain significance (1 of 4 stars; one submission).

Allele frequency attached by ClinVar (database versions not stated): ExAC 0.00001.
gnomAD v4.1: 1 of 1,614,082 alleles (0.000062%); highest among the groups gnomAD compares: African/African-American, 0.0013%; no homozygotes.

Submission:

Labcorp Genetics (formerly Invitae), Labcorp
Classification: Uncertain significance. Last evaluated: 2023-02-27. Review status: criteria provided, single submitter. Criteria: Invitae Variant Classification Sherloc (09022015). Collection method: clinical testing. Allele origin: germline.
Comment: In summary, the available evidence is currently insufficient to determine the role of this variant in disease. Therefore, it has been classified as a Variant of Uncertain Significance. Advanced modeling of protein sequence and biophysical properties (such as structural, functional, and spatial information, amino acid conservation, physicochemical variation, residue mobility, and thermodynamic stability) performed at Invitae indicates that this missense variant is not expected to disrupt JAK1 protein function. This variant has not been reported in the literature in individuals affected with JAK1-related conditions. This variant is present in population databases (rs763543398, gnomAD 0.007%). This sequence change replaces serine, which is neutral and polar, with threonine, which is neutral and polar, at codon 153 of the JAK1 protein (p.Ser153Thr).